The following is an entry in ClinVar:

NM_000424.4(KRT5):c.10C>T (p.Gln4Ter)

Gene: KRT5 (keratin 5; minus strand). Cytogenetic location: 12q13.13.
Variant type: single nucleotide variant.
Coding change: c.10C>T on transcript NM_000424.4 (MANE Select); coding-DNA position 10, C replaced by T.
Protein change: p.Gln4Ter; replaces glutamine 4 with a stop codon.
Molecular consequence: nonsense.
Genome position (GRCh38, 1-based): chr12:52,520,287, G>A on the plus strand (C>T on the coding strand, the complement: KRT5 is on the minus strand). VCF-style: chr12-52520287-G-A. GRCh37 (hg19) VCF-style: chr12-52914071-G-A.
Other names: short protein forms Q4*.
Identifiers: ClinVar variation 66199 (VCV000066199.3), dbSNP rs267607455, ClinGen allele CA216643.

ClinVar aggregate classification (germline): Pathogenic. Review status: criteria provided, single submitter (1 of 4 stars). 2 submissions from 2 submitters: Pathogenic (1). 1 of the submissions does not count toward it. Last evaluated 2024-12-19.

Submissions (2):

Labcorp Genetics (formerly Invitae), Labcorp
Classification: Pathogenic. Last evaluated: 2024-12-19. Review status: criteria provided, single submitter. Criteria: Invitae Variant Classification Sherloc (09022015). Collection method: clinical testing. Allele origin: germline.
Comment: This sequence change creates a premature translational stop signal (p.Gln4*) in the KRT5 gene. It is expected to result in an absent or disrupted protein product. However, the current clinical and genetic evidence is not sufficient to establish whether loss-of-function variants in KRT5 cause disease. This variant is not present in population databases (gnomAD no frequency). This premature translational stop signal has been observed in individuals with Dowling-Degos disease (PMID: 21569119, 25284854, 29600799). It has also been observed to segregate with disease in related individuals. ClinVar contains an entry for this variant (Variation ID: 66199). For these reasons, this variant has been classified as Pathogenic.

Epithelial Biology;  Institute of Medical Biology, Singapore
No classification provided. Review status: no classification provided. Collection method: not provided. Allele origin: not provided. Not counted in ClinVar's aggregate classification.

Literature cited by the submitters: PubMed 21569119 (cited by Labcorp Genetics (formerly Invitae), Labcorp); PubMed 25284854 (cited by Labcorp Genetics (formerly Invitae), Labcorp); PubMed 29600799 (cited by Labcorp Genetics (formerly Invitae), Labcorp).